The following is an entry in ClinVar:

NM_006031.6(PCNT):c.6715T>C (p.Trp2239Arg)

Gene: PCNT (pericentrin; plus strand). Cytogenetic location: 21q22.3.
Variant type: single nucleotide variant.
Coding change: c.6715T>C on transcript NM_006031.6 (MANE Select); coding-DNA position 6715, T replaced by C.
Protein change: p.Trp2239Arg; replaces tryptophan 2239 with arginine.
Molecular consequence: missense variant.
Genome position (GRCh38, 1-based): chr21:46,416,633, T>C. VCF-style: chr21-46416633-T-C. GRCh37 (hg19) VCF-style: chr21-47836547-T-C.
Other names: p.W2239R:TGG>CGG; c.6361T>C, p.Trp2121Arg (NM_001315529.2); short protein forms W2239R, W2121R.
Identifiers: ClinVar variation 138626 (VCV000138626.17), dbSNP rs35346764, ClinGen allele CA173059.

ClinVar aggregate classification (germline): Benign. Review status: criteria provided, multiple submitters, no conflicts (2 of 4 stars). 5 submissions from 5 submitters: Benign (5). Last evaluated 2026-02-04.

Conditions:
Microcephalic osteodysplastic primordial dwarfism type II (MOPD2). Also called: Microcephalic osteodysplastic primordial dwarfism with tooth abnormalities; OSTEODYSPLASTIC PRIMORDIAL DWARFISM, TYPE II; MOPD II. Identifiers: Orphanet 2637, MedGen C0432246, MONDO:0008872, OMIM 210720.

Allele frequency attached by ClinVar (database versions not stated): gnomAD exomes 0.08099 and 0.09721; ExAC 0.10542; gnomAD 0.18058 and 0.18919; 1000 Genomes Project 0.18131; ESP Exome Variant Server 0.18812; 1000 Genomes Project 30x 0.18832; TOPMed 0.18947.

Submissions (5):

Labcorp Genetics (formerly Invitae), Labcorp
Classification: Benign. Last evaluated: 2026-02-04. Review status: criteria provided, single submitter. Criteria: Invitae Variant Classification Sherloc (09022015). Collection method: clinical testing. Allele origin: germline.

Illumina Laboratory Services, Illumina
Classification: Benign for Microcephalic osteodysplastic primordial dwarfism type II. Last evaluated: 2018-01-13. Review status: criteria provided, single submitter. Criteria: ICSL Variant Classification Criteria 13 December 2019. Collection method: clinical testing. Allele origin: germline.
Comment: This variant was observed in the ICSL laboratory as part of a predisposition screen in an ostensibly healthy population. It had not been previously curated by ICSL or reported in the Human Gene Mutation Database (HGMD: prior to June 1st, 2018), and was therefore a candidate for classification through an automated scoring system. Utilizing variant allele frequency, disease prevalence and penetrance estimates, and inheritance mode, an automated score was calculated to assess if this variant is too frequent to cause the disease. Based on the score and internal cut-off values, a variant classified as benign is not then subjected to further curation. The score for this variant resulted in a classification of benign for this disease.

GeneDx
Classification: Benign. Last evaluated: 2014-02-26. Review status: criteria provided, single submitter. Criteria: GeneDx Variant Classification (06012015). Collection method: clinical testing. Allele origin: germline. Affected: yes.
Comment: This variant is considered likely benign or benign based on one or more of the following criteria: it is a conservative change, it occurs at a poorly conserved position in the protein, it is predicted to be benign by multiple in silico algorithms, and/or has population frequency not consistent with disease.

Genetic Services Laboratory, University of Chicago
Classification: Benign. Last evaluated: 2013-02-08. Review status: criteria provided, single submitter. Criteria: ACMG Guidelines, 2007. Collection method: clinical testing. Allele origin: germline. Inheritance: Autosomal recessive inheritance.

Breakthrough Genomics
Classification: Benign. Review status: criteria provided, single submitter. Criteria: ACMG Guidelines, 2015. Collection method: not provided. Allele origin: germline. Inheritance: Autosomal recessive inheritance. Affected: yes.